The following is an entry in ClinVar:

ClinVar aggregate classification (germline): Uncertain significance (1 of 4 stars; one submission).

Allele frequency attached by ClinVar (database versions not stated): TOPMed below 0.00001; ExAC 0.00001; gnomAD exomes below 0.00001.
gnomAD v4.1: 8 of 1,613,962 alleles (0.0005%); highest among the groups gnomAD compares: Non-Finnish European, 0.00051%; no homozygotes.

Submission:

Institute of Human Genetics, Clinical Exome/Genome Diagnostics Group, University Hospital Bonn
Classification: Uncertain significance. Last evaluated: 2021-02-10. Review status: criteria provided, single submitter. Criteria: ACMG Guidelines, 2015. Collection method: clinical testing. Allele origin: germline. Affected: yes.
Comment: PM2

NM_020706.2(SCAF4):c.3176G>C (p.Arg1059Thr)

Gene: SCAF4 (SR-related CTD associated factor 4; minus strand). Cytogenetic location: 21q22.11.
Variant type: single nucleotide variant.
Coding change: c.3176G>C on transcript NM_020706.2 (MANE Select); coding-DNA position 3176, G replaced by C.
Protein change: p.Arg1059Thr; replaces arginine 1059 with threonine.
Molecular consequence: missense variant.
Genome position (GRCh38, 1-based): chr21:31,671,667, C>G on the plus strand (G>C on the coding strand, the complement: SCAF4 is on the minus strand). VCF-style: chr21-31671667-C-G. GRCh37 (hg19) VCF-style: chr21-33043980-C-G.
Other names: c.3131G>C, p.Arg1044Thr (NM_001145444.1); c.3110G>C, p.Arg1037Thr (NM_001145445.1); short protein forms R1037T, R1044T, R1059T.
Identifiers: ClinVar variation 1343268 (VCV001343268.1), dbSNP rs753234671, ClinGen allele CA9999067.